The following is an entry in ClinVar:

ClinVar aggregate classification (germline): Benign (1 of 4 stars; one submission).

Conditions:
Neurodegeneration with brain iron accumulation 4 (NBIA4). Also called: MITOCHONDRIAL PROTEIN-ASSOCIATED NEURODEGENERATION. Identifiers: Orphanet 289560, MedGen C3280371, MONDO:0013674, OMIM 614298. Disease mechanism: loss of function.

Allele frequency attached by ClinVar (database versions not stated): ExAC 0.00557; gnomAD exomes 0.01128; gnomAD 0.04517 and 0.04826; 1000 Genomes Project 0.05052; TOPMed 0.05105; 1000 Genomes Project 30x 0.05497.

Submission:

Illumina Laboratory Services, Illumina
Classification: Benign for Neurodegeneration with brain iron accumulation 4. Last evaluated: 2018-01-12. Review status: criteria provided, single submitter. Criteria: ICSL Variant Classification Criteria 13 December 2019. Collection method: clinical testing. Allele origin: germline.
Comment: This variant was observed in the ICSL laboratory as part of a predisposition screen in an ostensibly healthy population. It had not been previously curated by ICSL or reported in the Human Gene Mutation Database (HGMD: prior to June 1st, 2018), and was therefore a candidate for classification through an automated scoring system. Utilizing variant allele frequency, disease prevalence and penetrance estimates, and inheritance mode, an automated score was calculated to assess if this variant is too frequent to cause the disease. Based on the score and internal cut-off values, a variant classified as benign is not then subjected to further curation. The score for this variant resulted in a classification of benign for this disease.

NM_031448.6(C19orf12):c.*2662C>T

Gene: C19orf12 (chromosome 19 open reading frame 12; minus strand). Cytogenetic location: 19q12.
Variant type: single nucleotide variant.
Coding change: c.*2662C>T on transcript NM_031448.6 (MANE Select); 2662 bases downstream of the stop codon, C replaced by T.
Molecular consequence: 3 prime UTR variant.
Genome position (GRCh38, 1-based): chr19:29,700,050, G>A on the plus strand (C>T on the coding strand, the complement: C19orf12 is on the minus strand). VCF-style: chr19-29700050-G-A. GRCh37 (hg19) VCF-style: chr19-30190957-G-A.
Other names: c.*2662C>T (NM_001031726.4, NM_001256047.2, NM_001282929.1 and 2 more transcripts); c.*2709C>T (NM_001256046.3).
Identifiers: ClinVar variation 328680 (VCV000328680.5), dbSNP rs78094750, ClinGen allele CA9351674.